The following is an entry in ClinVar:

NM_005559.4(LAMA1):c.7195+2T>A

Gene: LAMA1 (laminin subunit alpha 1; minus strand). Cytogenetic location: 18p11.31.
Variant type: single nucleotide variant.
Coding change: c.7195+2T>A on transcript NM_005559.4 (MANE Select); the canonical splice donor site of the intron after coding-DNA position 7195, T replaced by A.
Molecular consequence: splice donor variant.
Genome position (GRCh38, 1-based): chr18:6,965,286, A>T on the plus strand (T>A on the coding strand, the complement: LAMA1 is on the minus strand). VCF-style: chr18-6965286-A-T. GRCh37 (hg19) VCF-style: chr18-6965285-A-T.
Identifiers: ClinVar variation 1723357 (VCV001723357.2), dbSNP rs746280012, ClinGen allele CA8880986.
Genomic context (GRCh38, chr18:6,965,286, plus strand): 5'-TTGAAAAGATTTCTATTCTTATGAGGGTGACCGACATCTGGTGAGTCCATCTGTGTCCCT[A>T]CCTTGCTTCCGGTTTCGCTGGAAGGCAATTTTGTACCAGGTTCCATTGTTATAACGTCTG-3'

ClinVar aggregate classification (germline): Likely pathogenic. Review status: criteria provided, multiple submitters, no conflicts (2 of 4 stars). 2 submissions from 2 submitters: Likely pathogenic (2). Last evaluated 2023-10-02.

Conditions:
Ataxia - intellectual disability - oculomotor apraxia - cerebellar cysts syndrome. Also called: Poretti-Boltshauser syndrome. Identifiers: Orphanet 370022, MedGen C4014821, MONDO:0014419, OMIM 615960.

Allele frequency attached by ClinVar (database versions not stated): ExAC 0.00001; gnomAD 0.00001; gnomAD exomes 0.00001.
gnomAD v4.1: 15 of 1,613,998 alleles (0.00093%); highest among the groups gnomAD compares: Non-Finnish European, 0.0013%; no homozygotes.

Submissions (2):

Pittsburgh Clinical Genomics Laboratory, University of Pittsburgh Medical Center
Classification: Likely pathogenic for Ataxia - intellectual disability - oculomotor apraxia - cerebellar cysts syndrome. Last evaluated: 2023-10-02. Review status: criteria provided, single submitter. Criteria: ACMG Guidelines, 2015. Collection method: clinical testing. Allele origin: germline. Inheritance: Autosomal recessive inheritance. Affected: yes.
Comment: This sequence variant is a single nucleotide substitution (T>A) at position 7195+2 of the coding sequence of the LAMA1 gene in the canonical donor splice site of exon 50. This is a previously reported variant (ClinVar 1723357) that has been observed in a cohort of apparently healthy individuals (PMID: 31964843). This variant is present in 1 of 251482 alleles (0.0004%) in the gnomAD population dataset. Multiple bioinformatic tools predict that this to base change will disrupt the canonical donor splice site, and the T base at this position is highly conserved across the vertebrate species examined. Studies examining the functiol consequence of this variant have not been published, to our knowledge. Given this information, we consider this a likely pathogenic variant. ACMG Criteria: PM2, PVS1

Women's Health and Genetics/Laboratory Corporation of America, LabCorp
Classification: Likely pathogenic for Ataxia - intellectual disability - oculomotor apraxia - cerebellar cysts syndrome. Last evaluated: 2022-10-20. Review status: criteria provided, single submitter. Criteria: LabCorp Variant Classification Summary - May 2015. Collection method: clinical testing. Allele origin: germline.
Comment: Variant summary: LAMA1 c.7195+2T>A is located in a canonical splice-site and is predicted to affect mRNA splicing resulting in a significantly altered protein due to either exon skipping, shortening, or inclusion of intronic material. Several computational tools predict a significant impact on normal splicing: Four predict the variant abolishes a canonical 5' splicing donor site. However, these predictions have yet to be confirmed by functional studies. The variant allele was found at a frequency of 4e-06 in 251482 control chromosomes (gnomAD). To our knowledge, no occurrence of c.7195+2T>A in individuals affected with Ataxia-Intellectual Disability-Oculomotor Apraxia-Cerebellar Cysts Syndrome and no experimental evidence demonstrating its impact on protein function have been reported. No clinical diagnostic laboratories have submitted clinical-significance assessments for this variant to ClinVar after 2014. Based on the evidence outlined above, the variant was classified as likely pathogenic.

Literature cited by the submitters: PubMed 31964843 (cited by Pittsburgh Clinical Genomics Laboratory, University of Pittsburgh Medical Center).